The following is an entry in ClinVar:

NM_198173.3(GRHL3):c.1285+5G>C

Gene: GRHL3 (grainyhead like transcription factor 3; plus strand). Cytogenetic location: 1p36.11.
Variant type: single nucleotide variant.
Coding change: c.1285+5G>C on transcript NM_198173.3 (MANE Select); 5 bases into the intron after coding-DNA position 1285, G replaced by C.
Molecular consequence: intron variant.
Genome position (GRCh38, 1-based): chr1:24,342,777, G>C. VCF-style: chr1-24342777-G-C. GRCh37 (hg19) VCF-style: chr1-24669267-G-C.
Other names: c.1285+5G>C (NM_198174.3); c.1147+5G>C (NM_001195010.2); c.1300+5G>C (NM_021180.4).
Identifiers: ClinVar variation 4855933 (VCV004855933.1).
Genomic context (GRCh38, chr1:24,342,777, plus strand): 5'-TGACGAGCGGAAGCAGTTCCGGAGGAAGGTCAAGTGCCCTGACTCCAGCAACAGTGGTCA[G>C]TGGGGATCCAGGGCCTGGGTGGGCTCGGCTGGCGTGAAGGGGAGAAGGAGACCAGAGGTG-3'

ClinVar aggregate classification (germline): Uncertain significance (1 of 4 stars; one submission).

Conditions:
Van der Woude syndrome 2 (VWS2). Identifiers: Orphanet 888, MedGen C1847604, MONDO:0011712, OMIM 606713.

Submission:

3billion
Classification: Uncertain significance for Van der Woude syndrome 2. Last evaluated: 2025-09-02. Review status: criteria provided, single submitter. Criteria: ACMG Guidelines, 2015. Collection method: clinical testing. Allele origin: germline. Affected: yes.
Comment: The variant is not observed in the gnomAD v4.1.0 dataset. Predicted Consequence/Location: Intron variant In silico tools predict the variant to alter splicing and produce an abnormal transcript [SpliceAI: 0.78 (>=0.2, moderate evidence for spliceogenicity)]. Therefore, this variant is classified as VUS according to the recommendation of ACMG/AMP guideline.